The following is an entry in ClinVar:

NM_025144.4(ALPK1):c.1646T>C (p.Leu549Ser)

Gene: ALPK1 (alpha kinase 1; plus strand). Cytogenetic location: 4q25.
Variant type: single nucleotide variant.
Coding change: c.1646T>C on transcript NM_025144.4 (MANE Select); coding-DNA position 1646, T replaced by C.
Protein change: p.Leu549Ser; replaces leucine 549 with serine.
Molecular consequence: missense variant.
Genome position (GRCh38, 1-based): chr4:112,431,193, T>C. VCF-style: chr4-112431193-T-C. GRCh37 (hg19) VCF-style: chr4-113352349-T-C.
Other names: c.1646T>C, p.Leu549Ser (NM_001102406.2); c.1412T>C, p.Leu471Ser (NM_001253884.2); short protein forms L471S, L549S.
Identifiers: ClinVar variation 3660113 (VCV003660113.2).

ClinVar aggregate classification (germline): Uncertain significance (1 of 4 stars; one submission).

Submission:

Labcorp Genetics (formerly Invitae), Labcorp
Classification: Uncertain significance. Last evaluated: 2024-07-27. Review status: criteria provided, single submitter. Criteria: Invitae Variant Classification Sherloc (09022015). Collection method: clinical testing. Allele origin: germline.
Comment: This sequence change replaces leucine, which is neutral and non-polar, with serine, which is neutral and polar, at codon 549 of the ALPK1 protein (p.Leu549Ser). This variant is not present in population databases (gnomAD no frequency). This variant has not been reported in the literature in individuals affected with ALPK1-related conditions. Advanced modeling of protein sequence and biophysical properties (such as structural, functional, and spatial information, amino acid conservation, physicochemical variation, residue mobility, and thermodynamic stability) performed at Invitae indicates that this missense variant is not expected to disrupt ALPK1 protein function with a negative predictive value of 80%. In summary, the available evidence is currently insufficient to determine the role of this variant in disease. Therefore, it has been classified as a Variant of Uncertain Significance.